The following is an entry in ClinVar:

NM_001128840.3(CACNA1D):c.6326G>C (p.Gly2109Ala)

Gene: CACNA1D (calcium voltage-gated channel subunit alpha1 D; plus strand). Cytogenetic location: 3p21.1.
Variant type: single nucleotide variant.
Coding change: c.6326G>C on transcript NM_001128840.3 (MANE Select); coding-DNA position 6326, G replaced by C.
Protein change: p.Gly2109Ala; replaces glycine 2109 with alanine.
Molecular consequence: missense variant.
Genome position (GRCh38, 1-based): chr3:53,811,246, G>C. VCF-style: chr3-53811246-G-C. GRCh37 (hg19) VCF-style: chr3-53845273-G-C.
Other names: c.6386G>C, p.Gly2129Ala (NM_000720.4); c.6254G>C, p.Gly2085Ala (NM_001128839.3); short protein forms G2129A, G2085A, G2109A.
Identifiers: ClinVar variation 425297 (VCV000425297.49), dbSNP rs199761259, ClinGen allele CA16621802.
Genomic context (GRCh38, chr3:53,811,246, plus strand): 5'-CTGATGCCTGTGACCTCACCATCGACGAGATGGAGAGTGCAGCCAGCACCCTGCTTAATG[G>C]GAACGTGCGTCCCCGAGCCAACGGGGATGTGGGCCCCCTCTCACACCGGCAGGACTATGA-3'
Protein context (NP_001122312.1, residues 2099-2119): MESAASTLLN[Gly2109Ala]NVRPRANGDV

ClinVar aggregate classification (germline): Uncertain significance. Review status: criteria provided, multiple submitters, no conflicts (2 of 4 stars). 4 submissions from 4 submitters: Uncertain significance (4). Last evaluated 2025-08-03.

Conditions:
Hearing impairment. Also called: Impaired Hearing. Identifiers: MedGen C1384666, MONDO:0005365, HP:0000365.
CACNA1D-related disorder.

Allele frequency attached by ClinVar (database versions not stated): gnomAD 0.00001; gnomAD exomes 0.00001; TOPMed 0.00001.
gnomAD v4.1: 4 of 1,613,916 alleles (0.00025%); highest among the groups gnomAD compares: Non-Finnish European, 0.00034%; no homozygotes.

Submissions (4):

Labcorp Genetics (formerly Invitae), Labcorp
Classification: Uncertain significance. Last evaluated: 2025-08-03. Review status: criteria provided, single submitter. Criteria: Invitae Variant Classification Sherloc (09022015). Collection method: clinical testing. Allele origin: germline.
Comment: This sequence change replaces glycine, which is neutral and non-polar, with alanine, which is neutral and non-polar, at codon 2129 of the CACNA1D protein (p.Gly2129Ala). This variant is not present in population databases (gnomAD no frequency). This variant has not been reported in the literature in individuals affected with CACNA1D-related conditions. ClinVar contains an entry for this variant (Variation ID: 425297). An algorithm developed to predict the effect of missense changes on protein structure and function (PolyPhen-2) suggests that this variant is likely to be disruptive. In summary, the available evidence is currently insufficient to determine the role of this variant in disease. Therefore, it has been classified as a Variant of Uncertain Significance.

PreventionGenetics, part of Exact Sciences
Classification: Uncertain significance for CACNA1D-related condition. Last evaluated: 2025-02-20. Review status: criteria provided, single submitter. Criteria: ACMG Guidelines, 2015. Collection method: clinical testing. Allele origin: germline.
Comment: The CACNA1D c.6386G>C variant is predicted to result in the amino acid substitution p.Gly2129Ala. To our knowledge, this variant has not been reported in the literature or in a large population database (gnomAD), indicating this variant is rare. At this time, the clinical significance of this variant is uncertain due to the absence of conclusive functional and genetic evidence.

Department of Otolaryngology – Head & Neck Surgery, Cochlear Implant Center
Classification: Uncertain significance for Hearing impairment. Last evaluated: 2021-04-12. Review status: criteria provided, single submitter. Criteria: ClinGen HL ACMG Specifications v1. Collection method: clinical testing. Allele origin: germline. Affected: yes.
Comment: PM2_Moderate, PP3_Supporting

CeGaT Center for Human Genetics Tuebingen
Classification: Uncertain significance. Last evaluated: 2016-12-01. Review status: criteria provided, single submitter. Criteria: CeGaT Center For Human Genetics Tuebingen Variant Classification Criteria Version 2. Collection method: clinical testing. Allele origin: germline. Affected: yes. Observed: 1 variant allele.